The following is an entry in ClinVar:

ClinVar aggregate classification (germline): Uncertain significance (1 of 4 stars; one submission).

Conditions:
Familial Mediterranean fever (FMF). Also called: Periodic peritonitis; POLYSEROSITIS, FAMILIAL PAROXYSMAL; POLYSEROSITIS, RECURRENT; Benign paroxysmal peritonitis. Identifiers: Orphanet 342, MedGen C0031069, MONDO:0018088, OMIM 249100. Disease mechanism: gain of function.

gnomAD v4.1: 11 of 1,555,152 alleles (0.00071%); highest among the groups gnomAD compares: African/African-American, 0.0027%; no homozygotes.

Submission:

Labcorp Genetics (formerly Invitae), Labcorp
Classification: Uncertain significance for Familial Mediterranean fever. Last evaluated: 2023-09-08. Review status: criteria provided, single submitter. Criteria: Invitae Variant Classification Sherloc (09022015). Collection method: clinical testing. Allele origin: germline.
Comment: In summary, the available evidence is currently insufficient to determine the role of this variant in disease. Therefore, it has been classified as a Variant of Uncertain Significance. This sequence change replaces proline, which is neutral and non-polar, with serine, which is neutral and polar, at codon 183 of the MEFV protein (p.Pro183Ser). The frequency data for this variant in the population databases is considered unreliable, as metrics indicate poor data quality at this position in the gnomAD database. This variant has not been reported in the literature in individuals affected with MEFV-related conditions. Algorithms developed to predict the effect of missense changes on protein structure and function output the following: SIFT: "Not Available"; PolyPhen-2: "Benign"; Align-GVGD: "Not Available". The serine amino acid residue is found in multiple mammalian species, which suggests that this missense change does not adversely affect protein function.

NM_000243.3(MEFV):c.547C>T (p.Pro183Ser)

Gene: MEFV (MEFV innate immunity regulator, pyrin; minus strand). Cytogenetic location: 16p13.3.
Variant type: single nucleotide variant.
Coding change: c.547C>T on transcript NM_000243.3 (MANE Select); coding-DNA position 547, C replaced by T.
Protein change: p.Pro183Ser; replaces proline 183 with serine.
Molecular consequence: missense variant. On other transcripts: intron variant (1).
Genome position (GRCh38, 1-based): chr16:3,254,521, G>A on the plus strand (C>T on the coding strand, the complement: MEFV is on the minus strand). VCF-style: chr16-3254521-G-A. GRCh37 (hg19) VCF-style: chr16-3304521-G-A.
Other names: c.277+1790C>T (NM_001198536.2); short protein forms P183S.
Identifiers: ClinVar variation 2733735 (VCV002733735.1), dbSNP rs202196752, ClinGen allele CA394479654.